The following is an entry in ClinVar:

ClinVar aggregate classification (germline): Uncertain significance (1 of 4 stars; one submission).

gnomAD v4.1: 5 of 1,612,254 alleles (0.00031%); highest among the groups gnomAD compares: African/African-American, 0.0027%; no homozygotes.

Submission:

GeneDx
Classification: Uncertain significance. Last evaluated: 2025-07-24. Review status: criteria provided, single submitter. Criteria: GeneDx Variant Classification Process June 2021. Collection method: clinical testing. Allele origin: germline. Affected: yes.
Comment: Identified in a patient with sporadic Stanford type A aortic dissection in published literature who also had a variant in another gene that may have been responsible for the phenotype (PMID: 34422331); Not observed at significant frequency in large population cohorts (gnomAD); In silico analysis supports that this missense variant has a deleterious effect on protein structure/function; In silico analysis is inconclusive as to whether the variant alters gene splicing. In the absence of RNA/functional studies, the actual effect of this sequence change is unknown.; This variant is associated with the following publications: (PMID: 34422331)

NM_001084.5(PLOD3):c.670G>A (p.Gly224Arg)

Gene: PLOD3 (procollagen-lysine,2-oxoglutarate 5-dioxygenase 3; minus strand). Cytogenetic location: 7q22.1.
Variant type: single nucleotide variant.
Coding change: c.670G>A on transcript NM_001084.5 (MANE Select); coding-DNA position 670, G replaced by A.
Protein change: p.Gly224Arg; replaces glycine 224 with arginine.
Molecular consequence: missense variant.
Genome position (GRCh38, 1-based): chr7:101,215,098, C>T on the plus strand (G>A on the coding strand, the complement: PLOD3 is on the minus strand). VCF-style: chr7-101215098-C-T. GRCh37 (hg19) VCF-style: chr7-100858379-C-T.
Other names: short protein forms G224R.
Identifiers: ClinVar variation 4686768 (VCV004686768.1).